The following is an entry in ClinVar:

NM_004946.3(DOCK2):c.2799+42206G>A

Genes: DOCK2 (dedicator of cytokinesis 2; plus strand), INSYN2B (inhibitory synaptic factor family member 2B; minus strand). Cytogenetic location: 5q35.1.
Variant type: single nucleotide variant.
Coding change: c.2799+42206G>A on transcript NM_004946.3 (MANE Select); 42206 bases into the intron after coding-DNA position 2799, G replaced by A.
Molecular consequence: intron variant. On other transcripts: missense variant (2).
Genome position (GRCh38, 1-based): chr5:169,883,058, G>A. VCF-style: chr5-169883058-G-A. GRCh37 (hg19) VCF-style: chr5-169310062-G-A.
Other names: c.841C>T, p.Pro281Ser (NM_001129891.3, NM_001346304.2); short protein forms P281S.
Identifiers: ClinVar variation 1034135 (VCV001034135.2), dbSNP rs753446744, ClinGen allele CA3553927.

ClinVar aggregate classification (germline): Uncertain significance (1 of 4 stars; one submission).

Conditions:
DOCK2 deficiency. Also called: Immunodeficiency 40. Identifiers: Orphanet 447737, MedGen C4225328, MONDO:0014637, OMIM 616433.

Allele frequency attached by ClinVar (database versions not stated): ExAC below 0.00001; TOPMed 0.00001.

Submission:

Baylor Genetics
Classification: Uncertain significance for DOCK2 deficiency. Last evaluated: 2018-09-26. Review status: criteria provided, single submitter. Criteria: ACMG Guidelines, 2015. Collection method: clinical testing. Allele origin: unknown. Affected: yes.
Comment: This variant was determined to be of uncertain significance according to ACMG Guidelines, 2015 [PMID:25741868].